The following is an entry in ClinVar:

ClinVar aggregate classification (germline): Benign/Likely benign. Review status: criteria provided, multiple submitters, no conflicts (2 of 4 stars). 3 submissions from 3 submitters: Benign (1); Likely benign (2). Last evaluated 2025-12-21.

Allele frequency attached by ClinVar (database versions not stated): gnomAD exomes 0.00020 and 0.00068; gnomAD 0.00036 and 0.00046; TOPMed 0.00043; ExAC 0.00063; 1000 Genomes Project 0.00160; 1000 Genomes Project 30x 0.00219.
gnomAD v4.1: 413 of 1,578,888 alleles (0.026%); highest among the groups gnomAD compares: East Asian, 0.7%; 4 homozygotes.

Submissions (3):

Labcorp Genetics (formerly Invitae), Labcorp
Classification: Benign. Last evaluated: 2025-12-21. Review status: criteria provided, single submitter. Criteria: Invitae Variant Classification Sherloc (09022015). Collection method: clinical testing. Allele origin: germline.

Mayo Clinic Laboratories, Mayo Clinic
Classification: Likely benign. Last evaluated: 2025-04-18. Review status: criteria provided, single submitter. Criteria: ACMG Guidelines, 2015. Collection method: clinical testing. Allele origin: germline. Observed: 2 variant alleles.
Comment: BS1, BP4, BP7

Blueprint Genetics
Classification: Likely benign. Last evaluated: 2024-11-05. Review status: criteria provided, single submitter. Criteria: ACMG Guidelines, 2015. Collection method: clinical testing. Allele origin: germline.

NM_022773.4(LMF1):c.1530-9C>T

Gene: LMF1 (lipase maturation factor 1; minus strand). Cytogenetic location: 16p13.3.
Variant type: single nucleotide variant.
Coding change: c.1530-9C>T on transcript NM_022773.4 (MANE Select); 9 bases into the intron before coding-DNA position 1530, C replaced by T.
Molecular consequence: intron variant.
Genome position (GRCh38, 1-based): chr16:854,715, G>A on the plus strand (C>T on the coding strand, the complement: LMF1 is on the minus strand). VCF-style: chr16-854715-G-A. GRCh37 (hg19) VCF-style: chr16-904715-G-A.
Other names: p.?; c.1203-9C>T (NM_001352019.2); c.879-9C>T (NM_001352017.2, NM_001352021.2); c.1131-9C>T (NM_001352018.2); c.1450-9C>T (NM_001352020.1).
Identifiers: ClinVar variation 728239 (VCV000728239.12), dbSNP rs373526378, ClinGen allele CA7796889.
Genomic context (GRCh38, chr16:854,715, plus strand): 5'-CCTGCCCCCAGGACGGCTGAACTTGTACCTGTAGTGCTCTCCTCGGACCCACCTGCAAGG[G>A]GGCACATGTCAGCCCAGGGCCTGCTGGGACTCCCGGCCCCCGACCCGGCTCCTCAGCCTG-3'